The following is an entry in ClinVar:

NM_001256789.3(CACNA1F):c.5810C>T (p.Thr1937Ile)

Gene: CACNA1F (calcium voltage-gated channel subunit alpha1 F; minus strand). Cytogenetic location: Xp11.23.
Variant type: single nucleotide variant.
Coding change: c.5810C>T on transcript NM_001256789.3 (MANE Select); coding-DNA position 5810, C replaced by T.
Protein change: p.Thr1937Ile; replaces threonine 1937 with isoleucine.
Molecular consequence: missense variant.
Genome position (GRCh38, 1-based): chrX:49,205,228, G>A on the plus strand (C>T on the coding strand, the complement: CACNA1F is on the minus strand). VCF-style: chrX-49205228-G-A. GRCh37 (hg19) VCF-style: chrX-49061688-G-A.
Other names: c.5648C>T, p.Thr1883Ile (NM_001256790.3); c.5843C>T, p.Thr1948Ile (NM_005183.4); short protein forms T1883I, T1937I, T1948I.
Identifiers: ClinVar variation 1014622 (VCV001014622.8), dbSNP rs1557104512, ClinGen allele CA412956067.

ClinVar aggregate classification (germline): Uncertain significance (1 of 4 stars; one submission).

Allele frequency attached by ClinVar (database versions not stated): gnomAD exomes 0.00001.
gnomAD v4.1: 3 of 1,210,335 alleles (0.00025%); highest among the groups gnomAD compares: Admixed American, 0.0022%; no homozygotes.

Submission:

Labcorp Genetics (formerly Invitae), Labcorp
Classification: Uncertain significance. Last evaluated: 2022-01-12. Review status: criteria provided, single submitter. Criteria: Invitae Variant Classification Sherloc (09022015). Collection method: clinical testing. Allele origin: germline.
Comment: In summary, the available evidence is currently insufficient to determine the role of this variant in disease. Therefore, it has been classified as a Variant of Uncertain Significance. Algorithms developed to predict the effect of missense changes on protein structure and function are either unavailable or do not agree on the potential impact of this missense change (SIFT: "Deleterious"; PolyPhen-2: "Benign"; Align-GVGD: "Class C0"). ClinVar contains an entry for this variant (Variation ID: 1014622). This variant has not been reported in the literature in individuals affected with CACNA1F-related conditions. This variant is present in population databases (no rsID available, gnomAD 0.004%). This sequence change replaces threonine, which is neutral and polar, with isoleucine, which is neutral and non-polar, at codon 1948 of the CACNA1F protein (p.Thr1948Ile).